The following is an entry in ClinVar:

NM_000043.6(FAS):c.817C>T (p.Gln273Ter)

Gene: FAS (Fas cell surface death receptor; plus strand). Cytogenetic location: 10q23.31.
Variant type: single nucleotide variant.
Coding change: c.817C>T on transcript NM_000043.6 (MANE Select); coding-DNA position 817, C replaced by T.
Protein change: p.Gln273Ter; replaces glutamine 273 with a stop codon.
Molecular consequence: nonsense. On other transcripts: 3 prime UTR variant (2), non-coding transcript variant (7).
Genome position (GRCh38, 1-based): chr10:89,014,259, C>T. VCF-style: chr10-89014259-C-T. GRCh37 (hg19) VCF-style: chr10-90774016-C-T.
Other names: Q257*; c.*140C>T (NM_001320619.2); c.754C>T, p.Gln252Ter (NM_152871.4); c.*129C>T (NM_152872.4); short protein forms Q252*, Q273*.
Identifiers: ClinVar variation 16501 (VCV000016501.10), dbSNP rs121913077, ClinGen allele CA126570.

ClinVar aggregate classification (germline): Pathogenic. Review status: criteria provided, single submitter (1 of 4 stars). 2 submissions from 2 submitters: Pathogenic (1). 1 of the submissions does not count toward it. Last evaluated 2022-12-08.

Conditions:
Autoimmune lymphoproliferative syndrome type 1. Also called: AUTOIMMUNE LYMPHOPROLIFERATIVE SYNDROME, TYPE I, AUTOSOMAL DOMINANT. Identifiers: Orphanet 3261, MedGen C2717884, MONDO:0011158, OMIM 601859.
FAS-related autoimmune lymphoproliferative syndrome. Also called: AUTOIMMUNE LYMPHOPROLIFERATIVE SYNDROME, TYPE IA, AUTOSOMAL RECESSIVE; AUTOIMMUNE LYMPHOPROLIFERATIVE SYNDROME, TYPE IA. Identifiers: MedGen C1866119, MONDO:1060194.

Submissions (2):

Labcorp Genetics (formerly Invitae), Labcorp
Classification: Pathogenic for Autoimmune lymphoproliferative syndrome. Last evaluated: 2022-12-08. Review status: criteria provided, single submitter. Criteria: Invitae Variant Classification Sherloc (09022015). Collection method: clinical testing. Allele origin: germline.
Comment: This sequence change creates a premature translational stop signal (p.Gln273*) in the FAS gene. While this is not anticipated to result in nonsense mediated decay, it is expected to disrupt the last 63 amino acid(s) of the FAS protein. For these reasons, this variant has been classified as Pathogenic. This variant disrupts a region of the FAS protein in which other variant(s) (p.L294*) have been determined to be pathogenic (PMID: 10090885, 21490157, 23407489). This suggests that this is a clinically significant region of the protein, and that variants that disrupt it are likely to be disease-causing. Experimental studies have shown that this premature translational stop signal affects FAS function (PMID: 7540117). Algorithms developed to predict the effect of variants on protein structure and function are not available or were not evaluated for this variant. ClinVar contains an entry for this variant (Variation ID: 16501). This variant is also known as C1011T (Glu257*). This premature translational stop signal has been observed in individual(s) with autoimmune lymphoproliferative syndrome (PMID: 7540117). This variant is not present in population databases (gnomAD no frequency).

OMIM
Classification: Pathogenic for AUTOIMMUNE LYMPHOPROLIFERATIVE SYNDROME, TYPE IA. Last evaluated: 1995-06-16. Review status: no assertion criteria provided. Collection method: literature only. Allele origin: germline. Not counted in ClinVar's aggregate classification.

Literature cited by the submitters: PubMed 10090885 (cited by Labcorp Genetics (formerly Invitae), Labcorp); PubMed 21490157 (cited by Labcorp Genetics (formerly Invitae), Labcorp); PubMed 23407489 (cited by Labcorp Genetics (formerly Invitae), Labcorp); PubMed 7540117 (cited by Labcorp Genetics (formerly Invitae), Labcorp and OMIM).